The following is an entry in ClinVar:

NM_000069.3(CACNA1S):c.3965G>A (p.Gly1322Asp)

Gene: CACNA1S (calcium voltage-gated channel subunit alpha1 S; minus strand). Cytogenetic location: 1q32.1.
Variant type: single nucleotide variant.
Coding change: c.3965G>A on transcript NM_000069.3 (MANE Select); coding-DNA position 3965, G replaced by A.
Protein change: p.Gly1322Asp; replaces glycine 1322 with aspartic acid.
Molecular consequence: missense variant.
Genome position (GRCh38, 1-based): chr1:201,051,132, C>T on the plus strand (G>A on the coding strand, the complement: CACNA1S is on the minus strand). VCF-style: chr1-201051132-C-T. GRCh37 (hg19) VCF-style: chr1-201020260-C-T.
Other names: short protein forms G1322D.
Identifiers: ClinVar variation 4757721 (VCV004757721.1).

ClinVar aggregate classification (germline): Uncertain significance (1 of 4 stars; one submission).

Conditions:
Malignant hyperthermia, susceptibility to, 5 (MHS5). Also called: CACNA1S-Related Malignant Hyperthermia Susceptibility. Identifiers: Orphanet 423, MedGen C1866077, MONDO:0011163, OMIM 601887.

Submission:

Color Diagnostics, LLC DBA Color Health
Classification: Uncertain significance for Malignant hyperthermia, susceptibility to, 5. Last evaluated: 2025-07-20. Review status: criteria provided, single submitter. Criteria: ACMG Guidelines, 2015. Collection method: clinical testing. Allele origin: germline.
Comment: This missense variant replaces glycine with aspartic acid at codon 1322 of the CACNA1S protein. Computational prediction suggests that this variant may have deleterious impact on protein structure and function. To our knowledge, functional studies have not been reported for this variant. This variant has not been reported in individuals affected with CACNA1S-related disorders in the literature. This variant has been identified in 1/251440 chromosomes in the general population by the Genome Aggregation Database (gnomAD). The available evidence is insufficient to determine the role of this variant in disease conclusively. Therefore, this variant is classified as a Variant of Uncertain Significance.